The following is an entry in ClinVar:

NM_019098.5(CNGB3):c.2158del (p.Gln720fs)

Gene: CNGB3 (cyclic nucleotide gated channel subunit beta 3; minus strand). Cytogenetic location: 8q21.3.
Variant type: Deletion.
Coding change: c.2158del on transcript NM_019098.5 (MANE Select); coding-DNA position 2158, one base deleted (C; older notation c.2158delC).
Protein change: p.Gln720fs; shifts the reading frame from glutamine 720.
Molecular consequence: frameshift variant.
Genome position (GRCh38, 1-based): chr8:86,576,076, G deleted on the plus strand (C on the coding strand, the reverse complement: CNGB3 is on the minus strand). VCF-style (leftmost placement, unchanged base first): chr8-86576075-TG-T. GRCh37 (hg19) VCF-style: chr8-87588303-TG-T.
Other names: short protein forms Q720fs.
Identifiers: ClinVar variation 2755784 (VCV002755784.3), dbSNP rs2538025055, ClinGen allele CA2697549977.

ClinVar aggregate classification (germline): Pathogenic (1 of 4 stars; one submission).

Submission:

Labcorp Genetics (formerly Invitae), Labcorp
Classification: Pathogenic. Last evaluated: 2023-08-29. Review status: criteria provided, single submitter. Criteria: Invitae Variant Classification Sherloc (09022015). Collection method: clinical testing. Allele origin: germline.
Comment: This sequence change results in a frameshift in the CNGB3 gene (p.Gln720Lysfs*109). While this is not anticipated to result in nonsense mediated decay, it is expected to disrupt the last 90 amino acid(s) of the CNGB3 protein and extend the protein by 18 additional amino acid residues. This variant is not present in population databases (gnomAD no frequency). This variant has not been reported in the literature in individuals affected with CNGB3-related conditions. This variant results in an extension of the CNGB3 protein. Other variant(s) that result in a similarly extended protein product (p.Gln727Lysfs*101) have been determined to be pathogenic (Invitae). This suggests that these extensions are likely to be disease-causing. For these reasons, this variant has been classified as Pathogenic.